The following is an entry in ClinVar:

NM_018359.5(UFSP2):c.1277A>G (p.Asp426Gly)

Gene: UFSP2 (UFM1 specific peptidase 2; minus strand). Cytogenetic location: 4q35.1.
Variant type: single nucleotide variant.
Coding change: c.1277A>G on transcript NM_018359.5 (MANE Select); coding-DNA position 1277, A replaced by G.
Protein change: p.Asp426Gly; replaces aspartic acid 426 with glycine.
Molecular consequence: missense variant. On other transcripts: non-coding transcript variant (2).
Genome position (GRCh38, 1-based): chr4:185,403,540, T>C on the plus strand (A>G on the coding strand, the complement: UFSP2 is on the minus strand). VCF-style: chr4-185403540-T-C. GRCh37 (hg19) VCF-style: chr4-186324694-T-C.
Other names: p.Asp426Gly; short protein forms D426G.
Identifiers: ClinVar variation 4526333 (VCV004526333.1).

ClinVar aggregate classification (germline): Likely pathogenic (1 of 4 stars; one submission).

Conditions:
Spondyloepimetaphyseal dysplasia, di rocco type. Identifiers: MedGen C4693799, MONDO:0060702, OMIM 617974.

gnomAD v4.1: 10 of 1,614,184 alleles (0.00062%); highest among the groups gnomAD compares: Non-Finnish European, 0.00085%; no homozygotes.

Submission:

Foundation for Research in Genetics and Endocrinology, FRIGE's Institute of Human Genetics
Classification: Likely pathogenic for Spondyloepimetaphyseal dysplasia, di rocco type. Last evaluated: 2025-09-15. Review status: criteria provided, single submitter. Criteria: ACMG Guidelines, 2015. Collection method: clinical testing. Allele origin: germline. Inheritance: Autosomal dominant inheritance. Affected: yes. Observed: 1 heterozygote.
Comment: The heterozygous missense variant c.1277A>G; p.Asp426Gly, has been detected in the UFSP2 gene. It is located in exon 11 of the transcript NM_018359.5 and it leads to a change in amino acid from Aspartic Acid to Glycine at codon 426. This variant is predicted to be deleterious by in silico prediction tools such as Revel, AlphaMissense, SIFT, MutationTaster, DANN, MetaLR and BayesDel. In summary, the variant meets our criteria to be classified as likely pathogenic.